The following is an entry in ClinVar:

NM_006005.3(WFS1):c.-141A>G

Genes: WFS1 (wolframin ER transmembrane glycoprotein; plus strand), LOC129992166 (ATAC-STARR-seq lymphoblastoid silent region 15229; plus strand). Cytogenetic location: 4p16.1.
Variant type: single nucleotide variant.
Coding change: c.-141A>G on transcript NM_006005.3 (MANE Select); 141 bases upstream of the start codon, A replaced by G.
Molecular consequence: 5 prime UTR variant.
Genome position (GRCh38, 1-based): chr4:6,269,879, A>G. VCF-style: chr4-6269879-A-G. GRCh37 (hg19) VCF-style: chr4-6271606-A-G.
Other names: c.-137A>G (NM_001145853.1).
Identifiers: ClinVar variation 349294 (VCV000349294.30), dbSNP rs373287522, ClinGen allele CA10621460.

ClinVar aggregate classification (germline): Conflicting classifications of pathogenicity. Review status: criteria provided, conflicting classifications (1 of 4 stars). 4 submissions from 3 submitters: Uncertain significance (1); Benign (1); Likely benign (2). Last evaluated 2023-01-01.

Conditions:
WFS1-Related Spectrum Disorders.
Autosomal dominant nonsyndromic hearing loss 6 (LFSNHL). Also called: Autosomal dominant nonsyndromic deafness 6; DEAFNESS, AUTOSOMAL DOMINANT 14; DEAFNESS, AUTOSOMAL DOMINANT 38; DEAFNESS, AUTOSOMAL DOMINANT 6. Identifiers: Orphanet 90635, MedGen C1833021, MONDO:0010963, OMIM 600965.
Wolfram syndrome 1 (WFS1). Identifiers: Orphanet 3463, MedGen C4551693, MONDO:0009101, OMIM 222300.

Allele frequency attached by ClinVar (database versions not stated): gnomAD 0.00036 and 0.00050; TOPMed 0.00055; 1000 Genomes Project 0.00100; 1000 Genomes Project 30x 0.00203.

Submissions (4):

CeGaT Center for Human Genetics Tuebingen
Classification: Likely benign. Last evaluated: 2023-01-01. Review status: criteria provided, single submitter. Criteria: CeGaT Center For Human Genetics Tuebingen Variant Classification Criteria Version 2. Collection method: clinical testing. Allele origin: germline. Affected: yes. Observed: 1 variant allele.
Comment: WFS1: BS1

Illumina Laboratory Services, Illumina
Classification: Likely benign for Autosomal dominant nonsyndromic hearing loss 6. Last evaluated: 2018-01-13. Review status: criteria provided, single submitter. Criteria: ICSL Variant Classification Criteria 13 December 2019. Collection method: clinical testing. Allele origin: germline.
Comment: This variant was observed in the ICSL laboratory as part of a predisposition screen in an ostensibly healthy population. It had not been previously curated by ICSL or reported in the Human Gene Mutation Database (HGMD: prior to June 1st, 2018), and was therefore a candidate for classification through an automated scoring system. Utilizing variant allele frequency, disease prevalence and penetrance estimates, and inheritance mode, an automated score was calculated to assess if this variant is too frequent to cause the disease. Based on the score and internal cut-off values, a variant classified as likely benign is not then subjected to further curation. The score for this variant resulted in a classification of likely benign for this disease.

Illumina Laboratory Services, Illumina
Classification: Uncertain significance for WFS1-Related Spectrum Disorders. Last evaluated: 2018-01-13. Review status: criteria provided, single submitter. Criteria: ICSL Variant Classification Criteria 13 December 2019. Collection method: clinical testing. Allele origin: germline.

Clinical Genomics, Uppaluri K&H Personalized Medicine Clinic
Classification: Benign for Wolfram syndrome 1. Review status: criteria provided, single submitter. Criteria: K & H Uppaluri Personalized Medicine Clinic Variant Classification & Assertion Criteria_Updated V.1. Collection method: research. Allele origin: unknown. Inheritance: Autosomal recessive inheritance.
Comment: Potent mutations in WFS1 gene are associated with Wolfram's syndrome, an autosomal recessive condition, which cause diabetes mellitus, diabetes insipidus, deafness and optic atrophy. However no sufficient evidence is found to ascertain the role of this particular variant rs373287522 yet.

Literature cited by the submitters: PubMed 20738327 (cited by Clinical Genomics, Uppaluri K&H Personalized Medicine Clinic); PubMed 33879153 (cited by Clinical Genomics, Uppaluri K&H Personalized Medicine Clinic); PubMed 12955714 (cited by Clinical Genomics, Uppaluri K&H Personalized Medicine Clinic); PubMed 18060660 (cited by Clinical Genomics, Uppaluri K&H Personalized Medicine Clinic); PubMed 20301750 (cited by Clinical Genomics, Uppaluri K&H Personalized Medicine Clinic); PubMed 17603484 (cited by Clinical Genomics, Uppaluri K&H Personalized Medicine Clinic).